The following is an entry in ClinVar:

ClinVar aggregate classification (germline): Likely benign. Review status: criteria provided, multiple submitters, no conflicts (2 of 4 stars). 4 submissions from 4 submitters: Likely benign (4). Last evaluated 2024-11-18.

Conditions:
Inborn genetic diseases. Identifiers: MedGen C0950123, MeSH D030342.

Allele frequency attached by ClinVar (database versions not stated): TOPMed 0.00002; gnomAD 0.00003; ExAC 0.00006; gnomAD exomes 0.00006; ESP Exome Variant Server 0.00008.
gnomAD v4.1: 56 of 1,614,066 alleles (0.0035%); highest among the groups gnomAD compares: South Asian, 0.016%; no homozygotes.

Submissions (4):

Ambry Genetics
Classification: Likely benign for Inborn genetic diseases. Last evaluated: 2024-11-18. Review status: criteria provided, single submitter. Criteria: Ambry Variant Classification Scheme 2023. Collection method: clinical testing. Allele origin: germline.

Labcorp Genetics (formerly Invitae), Labcorp
Classification: Likely benign. Last evaluated: 2024-11-11. Review status: criteria provided, single submitter. Criteria: Invitae Variant Classification Sherloc (09022015). Collection method: clinical testing. Allele origin: germline.

CeGaT Center for Human Genetics Tuebingen
Classification: Likely benign. Last evaluated: 2023-11-01. Review status: criteria provided, single submitter. Criteria: CeGaT Center For Human Genetics Tuebingen Variant Classification Criteria Version 2. Collection method: clinical testing. Allele origin: germline. Affected: yes. Observed: 1 variant allele.
Comment: ASXL1: BP4, BP7

Breakthrough Genomics
Classification: Likely benign. Review status: criteria provided, single submitter. Criteria: ACMG Guidelines, 2015. Collection method: not provided. Allele origin: germline. Inheritance: Autosomal dominant inheritance. Affected: yes.

NM_015338.6(ASXL1):c.2670C>T (p.Leu890=)

Gene: ASXL1 (ASXL transcriptional regulator 1; plus strand). Cytogenetic location: 20q11.21.
Variant type: single nucleotide variant.
Coding change: c.2670C>T on transcript NM_015338.6 (MANE Select); coding-DNA position 2670, C replaced by T.
Protein change: p.Leu890=; no amino-acid change (leucine 890 retained).
Molecular consequence: synonymous variant.
Genome position (GRCh38, 1-based): chr20:32,435,382, C>T. VCF-style: chr20-32435382-C-T. GRCh37 (hg19) VCF-style: chr20-31023185-C-T.
Other names: c.2487C>T, p.Leu829= (NM_001363734.1).
Identifiers: ClinVar variation 762448 (VCV000762448.34), dbSNP rs140299198, ClinGen allele CA9808677.
Genomic context (GRCh38, chr20:32,435,382, plus strand): 5'-CTCATGCCCTCCTATGAGGGAAAGTGATACTAGACAAGAAAACTTGAAAACCAAGGCTCT[C>T]GTTTCTAACAGTTCTTTGCATTGGATACCCATCCCATCGAATGATGAGGTAGTGAAACAG-3'
Protein context (NP_056153.2, residues 880-900): TRQENLKTKA[Leu890=]VSNSSLHWIP